The following is an entry in ClinVar:

NM_000179.3(MSH6):c.3293G>T (p.Cys1098Phe)

Gene: MSH6 (mutS homolog 6; plus strand). Cytogenetic location: 2p16.3.
Variant type: single nucleotide variant.
Coding change: c.3293G>T on transcript NM_000179.3 (MANE Select); coding-DNA position 3293, G replaced by T.
Protein change: p.Cys1098Phe; replaces cysteine 1098 with phenylalanine.
Molecular consequence: missense variant.
Genome position (GRCh38, 1-based): chr2:47,803,540, G>T. VCF-style: chr2-47803540-G-T. GRCh37 (hg19) VCF-style: chr2-48030679-G-T.
Other names: c.2903G>T, p.Cys968Phe (NM_001281492.2); c.2387G>T, p.Cys796Phe (NM_001281493.2, NM_001281494.2); short protein forms C1098F, C796F, C968F.
Identifiers: ClinVar variation 485874 (VCV000485874.8), dbSNP rs876660564, ClinGen allele CA346758455.

ClinVar aggregate classification (germline): Uncertain significance. Review status: criteria provided, multiple submitters, no conflicts (2 of 4 stars). 3 submissions from 3 submitters: Uncertain significance (3). Last evaluated 2024-04-16.

Conditions:
Hereditary cancer-predisposing syndrome. Also called: Tumor predisposition; Hereditary Cancer Syndrome; Hereditary neoplastic syndrome; Neoplastic Syndromes, Hereditary. Identifiers: Orphanet 140162, MedGen C0027672, MeSH D009386, MONDO:0015356.
Lynch syndrome. Identifiers: Orphanet 144, MedGen C4552100, MONDO:0005835. Disease mechanism: loss of function.

Allele frequency attached by ClinVar (database versions not stated): gnomAD exomes below 0.00001; gnomAD 0.00001; TOPMed 0.00001.
gnomAD v4.1: 2 of 1,614,044 alleles (0.00012%); highest among the groups gnomAD compares: African/African-American, 0.0027%; no homozygotes.

Submissions (3):

All of Us Research Program, National Institutes of Health
Classification: Uncertain significance for Lynch syndrome. Last evaluated: 2024-04-16. Review status: criteria provided, single submitter. Criteria: ACMG Guidelines, 2015. Collection method: clinical testing. Allele origin: germline. Inheritance: Autosomal dominant inheritance. Observed: 1 variant allele, 1 heterozygote.
Comment: This missense variant replaces cytosine with phenylalanine at codon 1098 of the MSH6 gene. Computational prediction suggests that this variant may have deleterious impact on protein structure and function (internally defined REVEL score threshold >= 0.7, PMID: 27666373). To our knowledge, functional studies have not been reported for this variant. This variant has not been reported in individuals affected with MSH6-related disorders in the literature. This variant has been identified in 1/31404 chromosomes in the general population by the Genome Aggregation Database (gnomAD). The available evidence is insufficient to determine the role of this variant in disease conclusively. Therefore, this variant is classified as a Variant of Uncertain Significance.

This study involves interpretation of variants in research participants for the purpose of population health screening. Participant phenotype was not available at the time of variant classification. Additional details can be found in publication PMID: 35346344, PMCID: PMC8962531

Color Diagnostics, LLC DBA Color Health
Classification: Uncertain significance for Hereditary cancer-predisposing syndrome. Last evaluated: 2023-08-28. Review status: criteria provided, single submitter. Criteria: ACMG Guidelines, 2015. Collection method: clinical testing. Allele origin: germline.
Comment: This missense variant replaces cytosine with phenylalanine at codon 1098 of the MSH6 gene. Computational prediction suggests that this variant may have deleterious impact on protein structure and function (internally defined REVEL score threshold >= 0.7, PMID: 27666373). To our knowledge, functional studies have not been reported for this variant. This variant has not been reported in individuals affected with MSH6-related disorders in the literature. This variant has been identified in 1/31404 chromosomes in the general population by the Genome Aggregation Database (gnomAD). The available evidence is insufficient to determine the role of this variant in disease conclusively. Therefore, this variant is classified as a Variant of Uncertain Significance.

Ambry Genetics
Classification: Uncertain significance for Hereditary cancer-predisposing syndrome. Last evaluated: 2016-11-18. Review status: criteria provided, single submitter. Criteria: Ambry Variant Classification Scheme 2023. Collection method: clinical testing. Allele origin: germline.
Comment: The p.C1098F variant (also known as c.3293G>T), located in coding exon 5 of the MSH6 gene, results from a G to T substitution at nucleotide position 3293. The cysteine at codon 1098 is replaced by phenylalanine, an amino acid with highly dissimilar properties. This variant was not reported in population based cohorts in the following databases: Database of Single Nucleotide Polymorphisms (dbSNP), NHLBI Exome Sequencing Project (ESP), and 1000 Genomes Project. In the ESP, this variant was not observed in 6503 samples (13006 alleles) with coverage at this position. To date, this alteration has been detected with an allele frequency of approximately 0.001% (greater than 150000 alleles tested) in our clinical cohort. This amino acid position is highly conserved in available vertebrate species. In addition, this alteration is predicted to be deleterious by in silico analysis. In addition, the CoDP in silico tool predicts this alteration is likely to impair molecular function, with a score of 0.998 (Terui H et al. J. Biomed. Sci. 2013;20:25). Since supporting evidence is limited at this time, the clinical significance of this alteration remains unclear.